The following is an entry in ClinVar:

ClinVar aggregate classification (germline): Benign (1 of 4 stars; one submission).

Conditions:
Lung cancer. Also called: Lung cancer, somatic; Malignant tumor of lung. Identifiers: MedGen C0242379, MONDO:0008903, OMIM 211980.

gnomAD v4.1: 1 of 1,614,238 alleles (0.000062%); highest among the groups gnomAD compares: Non-Finnish European, 0.000085%; no homozygotes.

Submission:

Myriad Genetics, Inc.
Classification: Benign for Lung cancer. Last evaluated: 2024-10-16. Review status: criteria provided, single submitter. Criteria: Myriad Autosomal Dominant, Autosomal Recessive and X-Linked Classification Criteria (2023). Collection method: clinical testing. Allele origin: unknown.
Comment: This variant is considered benign. This variant is a silent/synonymous amino acid change and it is not expected to impact splicing.

NM_005228.5(EGFR):c.2394C>G (p.Leu798=)

Genes: EGFR (epidermal growth factor receptor; plus strand), EGFR-AS1 (EGFR antisense RNA 1; minus strand). Cytogenetic location: 7p11.2.
Variant type: single nucleotide variant.
Coding change: c.2394C>G on transcript NM_005228.5 (MANE Select); coding-DNA position 2394, C replaced by G.
Protein change: p.Leu798=; no amino-acid change (leucine 798 retained).
Molecular consequence: synonymous variant. On other transcripts: non-coding transcript variant (1).
Genome position (GRCh38, 1-based): chr7:55,181,403, C>G. VCF-style: chr7-55181403-C-G. GRCh37 (hg19) VCF-style: chr7-55249096-C-G.
Other names: c.2259C>G, p.Leu753= (NM_001346897.2, NM_001346899.2); c.2394C>G, p.Leu798= (NM_001346898.2); c.2235C>G, p.Leu745= (NM_001346900.2); c.1593C>G, p.Leu531= (NM_001346941.2).
Identifiers: ClinVar variation 3773467 (VCV003773467.1).